The following is an entry in ClinVar:

ClinVar aggregate classification (germline): Uncertain significance (1 of 4 stars; one submission).

gnomAD v4.1: 2 of 1,613,980 alleles (0.00012%); no homozygotes.

Submission:

GeneDx
Classification: Uncertain significance. Last evaluated: 2025-05-15. Review status: criteria provided, single submitter. Criteria: GeneDx Variant Classification Process June 2021. Collection method: clinical testing. Allele origin: germline. Affected: yes.
Comment: Not observed at significant frequency in large population cohorts (gnomAD); In silico analysis supports that this missense variant has a deleterious effect on protein structure/function; Has not been previously published as pathogenic or benign to our knowledge

NM_024334.3(TMEM43):c.481T>G (p.Phe161Val)

Gene: TMEM43 (transmembrane protein 43; plus strand). Cytogenetic location: 3p25.1.
Variant type: single nucleotide variant.
Coding change: c.481T>G on transcript NM_024334.3 (MANE Select); coding-DNA position 481, T replaced by G.
Protein change: p.Phe161Val; replaces phenylalanine 161 with valine.
Molecular consequence: missense variant.
Genome position (GRCh38, 1-based): chr3:14,132,904, T>G. VCF-style: chr3-14132904-T-G. GRCh37 (hg19) VCF-style: chr3-14174404-T-G.
Other names: c.484T>G, p.Phe162Val (NM_001407274.1); c.481T>G, p.Phe161Val (NM_001407275.1, NM_001407276.1, NM_001407277.1 and 1 more transcripts); c.466T>G, p.Phe156Val (NM_001407278.1); c.331T>G, p.Phe111Val (NM_001407280.1); short protein forms F111V, F156V, F161V, F162V.
Identifiers: ClinVar variation 4529833 (VCV004529833.1).